The following is an entry in ClinVar:

NM_005239.6(ETS2):c.649C>A (p.Leu217Ile)

Gene: ETS2 (ETS proto-oncogene 2, transcription factor; plus strand). Cytogenetic location: 21q22.2.
Variant type: single nucleotide variant.
Coding change: c.649C>A on transcript NM_005239.6 (MANE Select); coding-DNA position 649, C replaced by A.
Protein change: p.Leu217Ile; replaces leucine 217 with isoleucine.
Molecular consequence: missense variant.
Genome position (GRCh38, 1-based): chr21:38,818,484, C>A. VCF-style: chr21-38818484-C-A. GRCh37 (hg19) VCF-style: chr21-40190408-C-A.
Other names: c.1069C>A, p.Leu357Ile (NM_001256295.2); short protein forms L357I, L217I.
Identifiers: ClinVar variation 780076 (VCV000780076.28), dbSNP rs61735785, ClinGen allele CA10025569.

ClinVar aggregate classification (germline): Benign/Likely benign. Review status: criteria provided, multiple submitters, no conflicts (2 of 4 stars). 4 submissions from 4 submitters: Benign (3); Likely benign (1). Last evaluated 2025-08-18.

Allele frequency attached by ClinVar (database versions not stated): 1000 Genomes Project 30x 0.00297; 1000 Genomes Project 0.00339; ExAC 0.00727; gnomAD exomes 0.00735 and 0.00944; gnomAD 0.00739 and 0.00819; ESP Exome Variant Server 0.00823; TOPMed 0.00876.
gnomAD v4.1: 15,062 of 1,614,172 alleles (0.93%); highest among the groups gnomAD compares: Middle Eastern, 1.3%; 100 homozygotes.

Submissions (4):

Genomic Medicine Center of Excellence, King Faisal Specialist Hospital and Research Centre
Classification: Likely benign. Last evaluated: 2025-08-18. Review status: criteria provided, single submitter. Criteria: ACMG Guidelines, 2015. Collection method: clinical testing. Allele origin: germline.

CeGaT Center for Human Genetics Tuebingen
Classification: Benign. Last evaluated: 2024-02-01. Review status: criteria provided, single submitter. Criteria: CeGaT Center For Human Genetics Tuebingen Variant Classification Criteria Version 2. Collection method: clinical testing. Allele origin: germline. Affected: yes. Observed: 1 variant allele.
Comment: ETS2: BP4, BS1, BS2

Labcorp Genetics (formerly Invitae), Labcorp
Classification: Benign. Last evaluated: 2019-12-31. Review status: criteria provided, single submitter. Criteria: Invitae Variant Classification Sherloc (09022015). Collection method: clinical testing. Allele origin: germline.

Breakthrough Genomics
Classification: Benign. Review status: criteria provided, single submitter. Criteria: ACMG Guidelines, 2015. Collection method: not provided. Allele origin: germline. Inheritance: Unknown mechanism. Affected: yes.